The following is an entry in ClinVar:

ClinVar aggregate classification (germline): Likely pathogenic. Review status: criteria provided, multiple submitters, no conflicts (2 of 4 stars). 3 submissions from 3 submitters: Likely pathogenic (3). Last evaluated 2026-01-16.

Conditions:
PKHD1-related disorder. Also called: PKHD1-related condition.
Autosomal recessive polycystic kidney disease (ARPKD). Also called: AR polycystic kidney disease. Identifiers: Orphanet 731, Orphanet 8378, MedGen C0085548, MeSH D017044, MONDO:0009889.

Allele frequency attached by ClinVar (database versions not stated): gnomAD exomes below 0.00001; gnomAD 0.00001.
gnomAD v4.1: 2 of 1,600,150 alleles (0.00012%); highest among the groups gnomAD compares: Admixed American, 0.0033%; no homozygotes.

Submissions (3):

PreventionGenetics, part of Exact Sciences
Classification: Likely pathogenic for PKHD1-related condition. Last evaluated: 2026-01-16. Review status: criteria provided, single submitter. Criteria: ACMG Guidelines, 2015. Collection method: clinical testing. Allele origin: germline.
Comment: The PKHD1 c.2821+2T>C variant is predicted to disrupt the GT donor site and interfere with normal splicing. To our knowledge, this variant has not been reported in the literature. This variant is reported in 0.0057% of alleles in individuals of Latino descent in gnomAD. Variants that disrupt the consensus splice donor site in PKHD1 are expected to be pathogenic. This variant is interpreted as likely pathogenic.

Natera, Inc.
Classification: Likely pathogenic for Autosomal recessive polycystic kidney disease. Last evaluated: 2025-12-31. Review status: criteria provided, single submitter. Criteria: Natera Variant Classification Schema (03/2026). Collection method: clinical testing. Allele origin: germline.
Comment: The c.2821+2T>C variant in PKHD1 is a canonical splice donor site variant predicted to affect pre-mRNA splicing, which may result in an abnormal transcript and altered protein product. This variant is expected to result in nonsense mediated decay, truncation, or a dysfunctional protein product. This variant is rare in the general population with a frequency below the threshold expected for the associated phenotype(s). Given the available evidence, this variant is classified as Likely Pathogenic.

Labcorp Genetics (formerly Invitae), Labcorp
Classification: Likely pathogenic for Autosomal recessive polycystic kidney disease. Last evaluated: 2023-02-25. Review status: criteria provided, single submitter. Criteria: Invitae Variant Classification Sherloc (09022015). Collection method: clinical testing. Allele origin: germline.
Comment: Algorithms developed to predict the effect of sequence changes on RNA splicing suggest that this variant may disrupt the consensus splice site. In summary, the currently available evidence indicates that the variant is pathogenic, but additional data are needed to prove that conclusively. Therefore, this variant has been classified as Likely Pathogenic. ClinVar contains an entry for this variant (Variation ID: 1486668). This sequence change affects a donor splice site in intron 26 of the PKHD1 gene. It is expected to disrupt RNA splicing. Variants that disrupt the donor or acceptor splice site typically lead to a loss of protein function (PMID: 16199547), and loss-of-function variants in PKHD1 are known to be pathogenic (PMID: 19940839). This variant is present in population databases (no rsID available, gnomAD 0.006%). This variant has not been reported in the literature in individuals affected with PKHD1-related conditions.

Literature cited by the submitters: PubMed 16199547 (cited by Labcorp Genetics (formerly Invitae), Labcorp); PubMed 19940839 (cited by Labcorp Genetics (formerly Invitae), Labcorp).

NM_138694.4(PKHD1):c.2821+2T>C

Gene: PKHD1 (PKHD1 ciliary IPT domain containing fibrocystin/polyductin; minus strand). Cytogenetic location: 6p12.2.
Variant type: single nucleotide variant.
Coding change: c.2821+2T>C on transcript NM_138694.4 (MANE Select); the canonical splice donor site of the intron after coding-DNA position 2821, T replaced by C.
Molecular consequence: splice donor variant.
Genome position (GRCh38, 1-based): chr6:52,043,623, A>G on the plus strand (T>C on the coding strand, the complement: PKHD1 is on the minus strand). VCF-style: chr6-52043623-A-G. GRCh37 (hg19) VCF-style: chr6-51908421-A-G.
Other names: c.2821+2T>C (NM_138694.3, NM_170724.3).
Identifiers: ClinVar variation 1486668 (VCV001486668.11), dbSNP rs1394431107, ClinGen allele CA364442498.
Genomic context (GRCh38, chr6:52,043,623, plus strand): 5'-CTAACAAAATCACTGCAAGTCTCCGGCTTAAGCCCATCTCAGAGCCAAGTGACAAATCAT[A>G]CCAATGGAGTACCACACAGAATGGACACAGGGAGTTGACCCTTGGAGGTACTGGAAAGAG-3'